The following is an entry in ClinVar:

NM_000530.8(MPZ):c.227C>A (p.Ala76Asp)

Gene: MPZ (myelin protein zero; minus strand). Cytogenetic location: 1q23.3.
Variant type: single nucleotide variant.
Coding change: c.227C>A on transcript NM_000530.8 (MANE Select); coding-DNA position 227, C replaced by A.
Protein change: p.Ala76Asp; replaces alanine 76 with aspartic acid.
Molecular consequence: missense variant.
Genome position (GRCh38, 1-based): chr1:161,307,265, G>T on the plus strand (C>A on the coding strand, the complement: MPZ is on the minus strand). VCF-style: chr1-161307265-G-T. GRCh37 (hg19) VCF-style: chr1-161277055-G-T.
Other names: c.227C>A, p.Ala76Asp (NM_001315491.2); short protein forms A76D.
Identifiers: ClinVar variation 3659849 (VCV003659849.2).

ClinVar aggregate classification (germline): Uncertain significance (1 of 4 stars; one submission).

Conditions:
Charcot-Marie-Tooth disease, type I (CMT1). Also called: Charcot-Marie-Tooth, Type 1; Charcot-Marie-Tooth disease type 1. Identifiers: Orphanet 65753, MedGen C0751036, MONDO:0019011.

gnomAD v4.1: 1 of 1,614,214 alleles (0.000062%); highest among the groups gnomAD compares: Admixed American, 0.0017%; no homozygotes.

Submission:

Labcorp Genetics (formerly Invitae), Labcorp
Classification: Uncertain significance for Charcot-Marie-Tooth disease, type I. Last evaluated: 2024-07-19. Review status: criteria provided, single submitter. Criteria: Invitae Variant Classification Sherloc (09022015). Collection method: clinical testing. Allele origin: germline.
Comment: This sequence change replaces alanine, which is neutral and non-polar, with aspartic acid, which is acidic and polar, at codon 76 of the MPZ protein (p.Ala76Asp). This variant is present in population databases (no rsID available, gnomAD 0.003%). This variant has not been reported in the literature in individuals affected with MPZ-related conditions. Advanced modeling of protein sequence and biophysical properties (such as structural, functional, and spatial information, amino acid conservation, physicochemical variation, residue mobility, and thermodynamic stability) performed at Invitae indicates that this missense variant is not expected to disrupt MPZ protein function with a negative predictive value of 80%. In summary, the available evidence is currently insufficient to determine the role of this variant in disease. Therefore, it has been classified as a Variant of Uncertain Significance.